The following is an entry in ClinVar:

ClinVar aggregate classification (germline): Uncertain significance. Review status: criteria provided, multiple submitters, no conflicts (2 of 4 stars). 3 submissions from 3 submitters: Uncertain significance (3). Last evaluated 2025-05-27.

Conditions:
Familial cancer of breast. Also called: Hereditary breast cancer; BREAST CANCER, FAMILIAL; hereditary breast carcinoma. Identifiers: Orphanet 227535, MedGen C0346153, MONDO:0016419, OMIM 114480. Disease mechanism: loss of function.
Hereditary cancer-predisposing syndrome. Also called: Hereditary Cancer Syndrome; Neoplastic Syndromes, Hereditary; Tumor predisposition; Hereditary neoplastic syndrome. Identifiers: Orphanet 140162, MedGen C0027672, MeSH D009386, MONDO:0015356.

Allele frequency attached by ClinVar (database versions not stated): TOPMed below 0.00001; gnomAD 0.00001.
gnomAD v4.1: 1 of 1,613,538 alleles (0.000062%); highest among the groups gnomAD compares: Non-Finnish European, 0.000085%; no homozygotes.

Submissions (3):

Labcorp Genetics (formerly Invitae), Labcorp
Classification: Uncertain significance for Familial cancer of breast. Last evaluated: 2025-05-27. Review status: criteria provided, single submitter. Criteria: Invitae Variant Classification Sherloc (09022015). Collection method: clinical testing. Allele origin: germline.
Comment: This sequence change replaces cysteine, which is neutral and slightly polar, with tryptophan, which is neutral and slightly polar, at codon 639 of the BARD1 protein (p.Cys639Trp). This variant is not present in population databases (gnomAD no frequency). This variant has not been reported in the literature in individuals affected with BARD1-related conditions. ClinVar contains an entry for this variant (Variation ID: 490951). An algorithm developed to predict the effect of missense changes on protein structure and function (PolyPhen-2) suggests that this variant is likely to be disruptive. In summary, the available evidence is currently insufficient to determine the role of this variant in disease. Therefore, it has been classified as a Variant of Uncertain Significance.

Ambry Genetics
Classification: Uncertain significance for Hereditary cancer-predisposing syndrome. Last evaluated: 2025-01-13. Review status: criteria provided, single submitter. Criteria: Ambry Variant Classification Scheme 2023. Collection method: clinical testing. Allele origin: germline.
Comment: The p.C639W variant (also known as c.1917T>G), located in coding exon 10 of the BARD1 gene, results from a T to G substitution at nucleotide position 1917. The cysteine at codon 639 is replaced by tryptophan, an amino acid with highly dissimilar properties. This amino acid position is highly conserved in available vertebrate species. In addition, this alteration is predicted to be deleterious by in silico analysis. Since supporting evidence is limited at this time, the clinical significance of this alteration remains unclear.

Color Diagnostics, LLC DBA Color Health
Classification: Uncertain significance for Hereditary cancer-predisposing syndrome. Last evaluated: 2023-12-05. Review status: criteria provided, single submitter. Criteria: ACMG Guidelines, 2015. Collection method: clinical testing. Allele origin: germline.
Comment: This missense variant replaces cysteine with tryptophan at codon 639 of the BARD1 protein. Computational prediction is inconclusive regarding the impact of this variant on protein structure and function (internally defined REVEL score threshold 0.5 < inconclusive < 0.7, PMID: 27666373). To our knowledge, functional studies have not been reported for this variant. This variant has not been reported in individuals affected with BARD1-related disorders in the literature. This variant has not been identified in the general population by the Genome Aggregation Database (gnomAD). The available evidence is insufficient to determine the role of this variant in disease conclusively. Therefore, this variant is classified as a Variant of Uncertain Significance.

NM_000465.4(BARD1):c.1917T>G (p.Cys639Trp)

Gene: BARD1 (BRCA1 associated RING domain 1; minus strand). Cytogenetic location: 2q35.
Variant type: single nucleotide variant.
Coding change: c.1917T>G on transcript NM_000465.4 (MANE Select); coding-DNA position 1917, T replaced by G.
Protein change: p.Cys639Trp; replaces cysteine 639 with tryptophan.
Molecular consequence: missense variant. On other transcripts: non-coding transcript variant (3).
Genome position (GRCh38, 1-based): chr2:214,730,495, A>C on the plus strand (T>G on the coding strand, the complement: BARD1 is on the minus strand). VCF-style: chr2-214730495-A-C. GRCh37 (hg19) VCF-style: chr2-215595219-A-C.
Other names: c.1860T>G, p.Cys620Trp (NM_001282543.2); c.564T>G, p.Cys188Trp (NM_001282545.2); c.507T>G, p.Cys169Trp (NM_001282548.2); c.378T>G, p.Cys126Trp (NM_001282549.2); short protein forms C639W, C126W, C188W, C169W, C620W.
Identifiers: ClinVar variation 490951 (VCV000490951.21), dbSNP rs1345080663, ClinGen allele CA350451297.